The following is an entry in ClinVar:

NM_012203.2(GRHPR):c.288T>C (p.Arg96=)

Gene: GRHPR (glyoxylate and hydroxypyruvate reductase; plus strand). Cytogenetic location: 9p13.2.
Variant type: single nucleotide variant.
Coding change: c.288T>C on transcript NM_012203.2 (MANE Select); coding-DNA position 288, T replaced by C.
Protein change: p.Arg96=; no amino-acid change (arginine 96 retained).
Molecular consequence: synonymous variant.
Genome position (GRCh38, 1-based): chr9:37,426,538, T>C. VCF-style: chr9-37426538-T-C. GRCh37 (hg19) VCF-style: chr9-37426535-T-C.
Identifiers: ClinVar variation 944174 (VCV000944174.3), dbSNP rs201553816, ClinGen allele CA5058994.

ClinVar aggregate classification (germline): Uncertain significance (1 of 4 stars; one submission).

Allele frequency attached by ClinVar (database versions not stated): gnomAD exomes 0.00004 and 0.00011; ExAC 0.00011; 1000 Genomes Project 30x 0.00016; 1000 Genomes Project 0.00020; gnomAD 0.00035 and 0.00039; ESP Exome Variant Server 0.00038; TOPMed 0.00041.

Submission:

Labcorp Genetics (formerly Invitae), Labcorp
Classification: Uncertain significance. Last evaluated: 2022-07-12. Review status: criteria provided, single submitter. Criteria: Invitae Variant Classification Sherloc (09022015). Collection method: clinical testing. Allele origin: germline.
Comment: This sequence change affects codon 96 of the GRHPR mRNA. It is a 'silent' change, meaning that it does not change the encoded amino acid sequence of the GRHPR protein. It affects a nucleotide within the consensus splice site. This variant is present in population databases (rs201553816, gnomAD 0.1%). This variant has been observed in individual(s) with pediatric kidney stones, recurrent nephrolithiasis (Invitae). ClinVar contains an entry for this variant (Variation ID: 944174). Algorithms developed to predict the effect of sequence changes on RNA splicing suggest that this variant is not likely to affect RNA splicing. In summary, the available evidence is currently insufficient to determine the role of this variant in disease. Therefore, it has been classified as a Variant of Uncertain Significance.